The following is an entry in ClinVar:

ClinVar aggregate classification (germline): Uncertain significance (1 of 4 stars; one submission).

Conditions:
Cystic fibrosis (CF). Also called: MUCOVISCIDOSIS. Identifiers: Orphanet 586, MedGen C0010674, MONDO:0009061, OMIM 219700. Disease mechanism: loss of function.

Allele frequency attached by ClinVar (database versions not stated): gnomAD exomes below 0.00001.
gnomAD v4.1: 1 of 1,613,814 alleles (0.000062%); highest among the groups gnomAD compares: East Asian, 0.0022%; no homozygotes.

Submission:

Ambry Genetics
Classification: Uncertain significance for Cystic fibrosis. Last evaluated: 2022-03-31. Review status: criteria provided, single submitter. Criteria: Ambry Variant Classification Scheme 2023. Collection method: clinical testing. Allele origin: germline.
Comment: The p.I119S variant (also known as c.356T>G), located in coding exon 4 of the CFTR gene, results from a T to G substitution at nucleotide position 356. The isoleucine at codon 119 is replaced by serine, an amino acid with dissimilar properties. This amino acid position is conserved. In addition, this alteration is predicted to be deleterious by in silico analysis. Since supporting evidence is limited at this time, the clinical significance of this alteration remains unclear.

NM_000492.4(CFTR):c.356T>G (p.Ile119Ser)

Gene: CFTR (CF transmembrane conductance regulator; plus strand). Cytogenetic location: 7q31.2.
Variant type: single nucleotide variant.
Coding change: c.356T>G on transcript NM_000492.4 (MANE Select); coding-DNA position 356, T replaced by G.
Protein change: p.Ile119Ser; replaces isoleucine 119 with serine.
Molecular consequence: missense variant.
Genome position (GRCh38, 1-based): chr7:117,530,981, T>G. VCF-style: chr7-117530981-T-G. GRCh37 (hg19) VCF-style: chr7-117171035-T-G.
Other names: short protein forms I119S.
Identifiers: ClinVar variation 1732787 (VCV001732787.2), dbSNP rs2116670254, ClinGen allele CA368974471.